The following is an entry in ClinVar:

ClinVar aggregate classification (germline): Conflicting classifications of pathogenicity. Review status: criteria provided, conflicting classifications (1 of 4 stars). 2 submissions from 2 submitters: Uncertain significance (1); Likely benign (1). Last evaluated 2026-04-01.

Allele frequency attached by ClinVar (database versions not stated): gnomAD 0.00001; TOPMed 0.00001; gnomAD exomes 0.00002.

Submissions (2):

Women's Health and Genetics/Laboratory Corporation of America, LabCorp
Classification: Uncertain significance. Last evaluated: 2026-04-01. Review status: criteria provided, single submitter. Criteria: LabCorp Variant Classification Summary - May 2015. Collection method: clinical testing. Allele origin: germline.
Comment: Variant summary: ZSWIM6 c.3130A>G (p.Met1044Val) results in a conservative amino acid change in the encoded protein sequence. Algorithms developed to predict the effect of missense changes on protein structure and function are either unavailable or do not agree on the potential impact of this missense change. The variant allele was found at a frequency of 1.9e-05 in 157214 control chromosomes. The available data on variant occurrences in the general population are insufficient to allow any conclusion about variant significance. To our knowledge, no occurrence of c.3130A>G in individuals affected with ZSWIM6-related conditions and no experimental evidence demonstrating its impact on protein function have been reported. ClinVar contains an entry for this variant (Variation ID: 1923638). Based on the evidence outlined above, the variant was classified as uncertain significance.

Labcorp Genetics (formerly Invitae), Labcorp
Classification: Likely benign. Last evaluated: 2025-10-13. Review status: criteria provided, single submitter. Criteria: Invitae Variant Classification Sherloc (09022015). Collection method: clinical testing. Allele origin: germline.

NM_020928.2(ZSWIM6):c.3130A>G (p.Met1044Val)

Gene: ZSWIM6 (zinc finger SWIM-type containing 6; plus strand). Cytogenetic location: 5q12.1.
Variant type: single nucleotide variant.
Coding change: c.3130A>G on transcript NM_020928.2 (MANE Select); coding-DNA position 3130, A replaced by G.
Protein change: p.Met1044Val; replaces methionine 1044 with valine.
Molecular consequence: missense variant.
Genome position (GRCh38, 1-based): chr5:61,543,799, A>G. VCF-style: chr5-61543799-A-G. GRCh37 (hg19) VCF-style: chr5-60839626-A-G.
Other names: short protein forms M1044V.
Identifiers: ClinVar variation 1923638 (VCV001923638.6), dbSNP rs1171631580, ClinGen allele CA359946920.